The following is an entry in ClinVar:

NM_022051.3(EGLN1):c.299G>A (p.Arg100Gln)

Gene: EGLN1 (egl-9 family hypoxia inducible factor 1; minus strand). Cytogenetic location: 1q42.2.
Variant type: single nucleotide variant.
Coding change: c.299G>A on transcript NM_022051.3 (MANE Select); coding-DNA position 299, G replaced by A.
Protein change: p.Arg100Gln; replaces arginine 100 with glutamine.
Molecular consequence: missense variant.
Genome position (GRCh38, 1-based): chr1:231,421,590, C>T on the plus strand (G>A on the coding strand, the complement: EGLN1 is on the minus strand). VCF-style: chr1-231421590-C-T. GRCh37 (hg19) VCF-style: chr1-231557336-C-T.
Other names: c.299G>A, p.Arg100Gln (NM_001377260.1, NM_001377261.1); short protein forms R100Q.
Identifiers: ClinVar variation 1798616 (VCV001798616.2), dbSNP rs2527360828, ClinGen allele CA345237869.
Genomic context (GRCh38, chr1:231,421,590, plus strand): 5'-GGGTCGGCCGGGGGCTTGGCCTTTACTTTTCCCTTGGCCGCGTCCCCGGAGGCGTTGTCC[C>T]GGCGCGCCGCTGCCTTCCTGGGCTCCCGGGCCCCGGCCCTGGGCGGCGGCACTGCAGCCG-3'
Protein context (NP_071334.1, residues 90-110): AREPRKAAAR[Arg100Gln]DNASGDAAKG

ClinVar aggregate classification (germline): Uncertain significance (1 of 4 stars; one submission).

Allele frequency attached by ClinVar (database versions not stated): gnomAD exomes below 0.00001.
gnomAD v4.1: 1 of 1,318,602 alleles (0.000076%); highest among the groups gnomAD compares: Non-Finnish European, 0.000096%; no homozygotes.

Submission:

Ambry Genetics
Classification: Uncertain significance. Last evaluated: 2024-03-23. Review status: criteria provided, single submitter. Criteria: Ambry Variant Classification Scheme 2023. Collection method: clinical testing. Allele origin: germline.
Comment: The p.R100Q variant (also known as c.299G>A), located in coding exon 1 of the EGLN1 gene, results from a G to A substitution at nucleotide position 299. The arginine at codon 100 is replaced by glutamine, an amino acid with highly similar properties. This amino acid position is conserved. In addition, this alteration is predicted to be tolerated by in silico analysis. Since supporting evidence is limited at this time, the clinical significance of this alteration remains unclear.